The following is an entry in ClinVar:

ClinVar aggregate classification (germline): Uncertain significance (1 of 4 stars; one submission).

Submission:

GeneDx
Classification: Uncertain significance. Last evaluated: 2024-03-20. Review status: criteria provided, single submitter. Criteria: GeneDx Variant Classification Process June 2021. Collection method: clinical testing. Allele origin: germline. Affected: yes.
Comment: Not observed at significant frequency in large population cohorts (gnomAD); Frameshift variant predicted to result in protein truncation or nonsense mediated decay in a gene or region of a gene for which loss of function is not a well-established mechanism of disease; Has not been previously published as pathogenic or benign to our knowledge

NM_018026.4(PACS1):c.289del (p.Ala97fs)

Genes: PACS1 (phosphofurin acidic cluster sorting protein 1; plus strand), LOC130006099 (ATAC-STARR-seq lymphoblastoid silent region 3575; plus strand). Cytogenetic location: 11q13.1.
Variant type: Deletion.
Coding change: c.289del on transcript NM_018026.4 (MANE Select); coding-DNA position 289, one base deleted (G; older notation c.289delG).
Protein change: p.Ala97fs; shifts the reading frame from alanine 97.
Molecular consequence: frameshift variant.
Genome position (GRCh38, 1-based): chr11:66,070,775, G deleted. VCF-style (leftmost placement, unchanged base first): chr11-66070774-CG-C. GRCh37 (hg19) VCF-style: chr11-65838245-CG-C.
Other names: short protein forms A97fs.
Identifiers: ClinVar variation 3370659 (VCV003370659.1).